The following is an entry in ClinVar:

NM_000717.5(CA4):c.421A>G (p.Ile141Val)

Gene: CA4 (carbonic anhydrase 4; plus strand). Cytogenetic location: 17q23.1.
Variant type: single nucleotide variant.
Coding change: c.421A>G on transcript NM_000717.5 (MANE Select); coding-DNA position 421, A replaced by G.
Protein change: p.Ile141Val; replaces isoleucine 141 with valine.
Molecular consequence: missense variant. On other transcripts: non-coding transcript variant (1).
Genome position (GRCh38, 1-based): chr17:60,157,696, A>G. VCF-style: chr17-60157696-A-G. GRCh37 (hg19) VCF-style: chr17-58235057-A-G.
Other names: short protein forms I141V.
Identifiers: ClinVar variation 4762497 (VCV004762497.1).

ClinVar aggregate classification (germline): Uncertain significance (1 of 4 stars; one submission).

gnomAD v4.1: 1 of 1,613,784 alleles (0.000062%); highest among the groups gnomAD compares: Non-Finnish European, 0.000085%; no homozygotes.

Submission:

Labcorp Genetics (formerly Invitae), Labcorp
Classification: Uncertain significance. Last evaluated: 2025-04-26. Review status: criteria provided, single submitter. Criteria: Invitae Variant Classification Sherloc (09022015). Collection method: clinical testing. Allele origin: germline.
Comment: This sequence change replaces isoleucine, which is neutral and non-polar, with valine, which is neutral and non-polar, at codon 141 of the CA4 protein (p.Ile141Val). This variant is not present in population databases (gnomAD no frequency). This variant has not been reported in the literature in individuals affected with CA4-related conditions. Invitae Evidence Modeling of protein sequence and biophysical properties (such as structural, functional, and spatial information, amino acid conservation, physicochemical variation, residue mobility, and thermodynamic stability) indicates that this missense variant is not expected to disrupt CA4 protein function with a negative predictive value of 80%. In summary, the available evidence is currently insufficient to determine the role of this variant in disease. Therefore, it has been classified as a Variant of Uncertain Significance.